The following is an entry in ClinVar:

NM_000238.4(KCNH2):c.718C>A (p.Pro240Thr)

Gene: KCNH2 (potassium voltage-gated channel subfamily H member 2; minus strand). Cytogenetic location: 7q36.1.
Variant type: single nucleotide variant.
Coding change: c.718C>A on transcript NM_000238.4 (MANE Select); coding-DNA position 718, C replaced by A.
Protein change: p.Pro240Thr; replaces proline 240 with threonine.
Molecular consequence: missense variant. On other transcripts: non-coding transcript variant (1).
Genome position (GRCh38, 1-based): chr7:150,958,257, G>T on the plus strand (C>A on the coding strand, the complement: KCNH2 is on the minus strand). VCF-style: chr7-150958257-G-T. GRCh37 (hg19) VCF-style: chr7-150655345-G-T.
Other names: c.430C>A, p.Pro144Thr (NM_001406753.1, NM_001406756.1); c.541C>A, p.Pro181Thr (NM_001406755.1); c.418C>A, p.Pro140Thr (NM_001406757.1); c.718C>A, p.Pro240Thr (NM_172056.3); short protein forms P140T, P181T, P144T, P240T.
Identifiers: ClinVar variation 4693567 (VCV004693567.1).

ClinVar aggregate classification (germline): Uncertain significance (1 of 4 stars; one submission).

Conditions:
Long QT syndrome (LQTS). Identifiers: MedGen C0023976, MeSH D008133, MONDO:0002442. Disease mechanism: loss of function. Inheritance: Various modes of inheritance.

Submission:

Labcorp Genetics (formerly Invitae), Labcorp
Classification: Uncertain significance for Long QT syndrome. Last evaluated: 2025-11-13. Review status: criteria provided, single submitter. Criteria: Invitae Variant Classification Sherloc (09022015). Collection method: clinical testing. Allele origin: germline.
Comment: This sequence change replaces proline, which is neutral and non-polar, with threonine, which is neutral and polar, at codon 240 of the KCNH2 protein (p.Pro240Thr). This variant is not present in population databases (gnomAD no frequency). This variant has not been reported in the literature in individuals affected with KCNH2-related conditions. An algorithm developed to predict the effect of missense changes on protein structure and function (PolyPhen-2) suggests that this variant is likely to be tolerated. In summary, the available evidence is currently insufficient to determine the role of this variant in disease. Therefore, it has been classified as a Variant of Uncertain Significance.